The following is an entry in ClinVar:

NM_001378454.1(ALMS1):c.7557C>A (p.Phe2519Leu)

Gene: ALMS1 (ALMS1 centrosome and basal body associated protein; plus strand). Cytogenetic location: 2p13.1.
Variant type: single nucleotide variant.
Coding change: c.7557C>A on transcript NM_001378454.1 (MANE Select); coding-DNA position 7557, C replaced by A.
Protein change: p.Phe2519Leu; replaces phenylalanine 2519 with leucine.
Molecular consequence: missense variant.
Genome position (GRCh38, 1-based): chr2:73,455,178, C>A. VCF-style: chr2-73455178-C-A. GRCh37 (hg19) VCF-style: chr2-73682305-C-A.
Other names: c.7560C>A, p.Phe2520Leu (NM_015120.4); short protein forms F2519L, F2520L.
Identifiers: ClinVar variation 3069093 (VCV003069093.1), dbSNP rs2103797357, ClinGen allele CA347292956.

ClinVar aggregate classification (germline): Uncertain significance (1 of 4 stars; one submission).

Submission:

Women's Health and Genetics/Laboratory Corporation of America, LabCorp
Classification: Uncertain significance. Last evaluated: 2024-02-05. Review status: criteria provided, single submitter. Criteria: LabCorp Variant Classification Summary - May 2015. Collection method: clinical testing. Allele origin: germline.
Comment: Variant summary: ALMS1 c.7554C>A (p.Phe2518Leu) results in a non-conservative amino acid change in the encoded protein sequence. Four of five in-silico tools predict a benign effect of the variant on protein function. The variant was absent in 249168 control chromosomes (gnomAD). The available data on variant occurrences in the general population are insufficient to allow any conclusion about variant significance. To our knowledge, no occurrence of c.7554C>A in individuals affected with Alstrom Syndrome and no experimental evidence demonstrating its impact on protein function have been reported. No submitters have cited clinical-significance assessments for this variant to ClinVar. Based on the evidence outlined above, the variant was classified as uncertain significance.